The following is an entry in ClinVar:

ClinVar aggregate classification (germline): Uncertain significance (1 of 4 stars; one submission).

Conditions:
Glycogen storage disease type III (GSD3). Also called: Cori disease; FORBES DISEASE. Identifiers: Orphanet 366, MedGen C0017922, MONDO:0009291, OMIM 232400.

Allele frequency attached by ClinVar (database versions not stated): gnomAD exomes below 0.00001; TOPMed below 0.00001.
gnomAD v4.1: 2 of 1,613,838 alleles (0.00012%); highest among the groups gnomAD compares: Middle Eastern, 0.017%; no homozygotes.

Submission:

Labcorp Genetics (formerly Invitae), Labcorp
Classification: Uncertain significance for Glycogen storage disease type III. Last evaluated: 2022-01-27. Review status: criteria provided, single submitter. Criteria: Invitae Variant Classification Sherloc (09022015). Collection method: clinical testing. Allele origin: germline.
Comment: This sequence change replaces asparagine, which is neutral and polar, with serine, which is neutral and polar, at codon 69 of the AGL protein (p.Asn69Ser). This variant is not present in population databases (gnomAD no frequency). This variant has not been reported in the literature in individuals affected with AGL-related conditions. Algorithms developed to predict the effect of missense changes on protein structure and function (SIFT, PolyPhen-2, Align-GVGD) all suggest that this variant is likely to be tolerated. In summary, the available evidence is currently insufficient to determine the role of this variant in disease. Therefore, it has been classified as a Variant of Uncertain Significance.

NM_000642.3(AGL):c.206A>G (p.Asn69Ser)

Gene: AGL (amylo-alpha-1,6-glucosidase and 4-alpha-glucanotransferase; plus strand). Cytogenetic location: 1p21.2.
Variant type: single nucleotide variant.
Coding change: c.206A>G on transcript NM_000642.3 (MANE Select); coding-DNA position 206, A replaced by G.
Protein change: p.Asn69Ser; replaces asparagine 69 with serine.
Molecular consequence: missense variant.
Genome position (GRCh38, 1-based): chr1:99,861,626, A>G. VCF-style: chr1-99861626-A-G. GRCh37 (hg19) VCF-style: chr1-100327182-A-G.
Other names: c.206A>G, p.Asn69Ser (NM_001425327.1, NM_001425328.1, NM_001425329.1 and 5 more transcripts); c.158A>G, p.Asn53Ser (NM_000646.3); short protein forms N69S, N53S.
Identifiers: ClinVar variation 2065772 (VCV002065772.4), dbSNP rs1226143115, ClinGen allele CA341329492.